The following is an entry in ClinVar:

ClinVar aggregate classification (germline): Uncertain significance (1 of 4 stars; one submission).

Conditions:
Pityriasis rubra pilaris (PRP). Also called: Pityriasis rubra pilaris--familial type. Identifiers: Orphanet 2897, MedGen C0032027, MONDO:0100017, OMIM 173200, MONDO:0008251.
Psoriasis 2. Identifiers: MedGen C1864497, MONDO:0011269, OMIM 602723.

Allele frequency attached by ClinVar (database versions not stated): gnomAD exomes below 0.00001 and 0.00002; gnomAD 0.00003; TOPMed 0.00003.
gnomAD v4.1: 33 of 1,613,640 alleles (0.002%); highest among the groups gnomAD compares: African/African-American, 0.0053%; no homozygotes.

Submission:

Labcorp Genetics (formerly Invitae), Labcorp
Classification: Uncertain significance for Pityriasis rubra pilaris; Psoriasis 2. Last evaluated: 2025-11-04. Review status: criteria provided, single submitter. Criteria: Invitae Variant Classification Sherloc (09022015). Collection method: clinical testing. Allele origin: germline.
Comment: This sequence change replaces glutamic acid, which is acidic and polar, with lysine, which is basic and polar, at codon 701 of the CARD14 protein (p.Glu701Lys). This variant is present in population databases (no rsID available, gnomAD 0.0009%). This variant has not been reported in the literature in individuals affected with CARD14-related conditions. ClinVar contains an entry for this variant (Variation ID: 1484097). Invitae Evidence Modeling of protein sequence and biophysical properties (such as structural, functional, and spatial information, amino acid conservation, physicochemical variation, residue mobility, and thermodynamic stability) indicates that this missense variant is not expected to disrupt CARD14 protein function with a negative predictive value of 95%. In summary, the available evidence is currently insufficient to determine the role of this variant in disease. Therefore, it has been classified as a Variant of Uncertain Significance.

NM_001366385.1(CARD14):c.2101G>A (p.Glu701Lys)

Genes: SGSH (N-sulfoglucosamine sulfohydrolase; minus strand), CARD14 (caspase recruitment domain family member 14; plus strand). Cytogenetic location: 17q25.3.
Variant type: single nucleotide variant.
Coding change: c.2101G>A on transcript NM_001366385.1 (MANE Select); coding-DNA position 2101, G replaced by A.
Protein change: p.Glu701Lys; replaces glutamic acid 701 with lysine.
Molecular consequence: missense variant. On other transcripts: non-coding transcript variant (1).
Genome position (GRCh38, 1-based): chr17:80,202,302, G>A. VCF-style: chr17-80202302-G-A. GRCh37 (hg19) VCF-style: chr17-78176101-G-A.
Other names: c.2101G>A, p.Glu701Lys (NM_001257970.1, NM_024110.4); short protein forms E701K.
Identifiers: ClinVar variation 1484097 (VCV001484097.8), dbSNP rs984278499, ClinGen allele CA294879905.